The following is an entry in ClinVar:

ClinVar aggregate classification (germline): Uncertain significance (1 of 4 stars; one submission).

gnomAD v4.1: 1 of 1,613,888 alleles (0.000062%); highest among the groups gnomAD compares: Non-Finnish European, 0.000085%; no homozygotes.

Submission:

CeGaT Center for Human Genetics Tuebingen
Classification: Uncertain significance. Last evaluated: 2025-06-01. Review status: criteria provided, single submitter. Criteria: CeGaT Center For Human Genetics Tuebingen Variant Classification Criteria Version 2. Collection method: clinical testing. Allele origin: germline. Affected: yes. Observed: 1 variant allele.
Comment: HERC1: PM2

NM_003922.4(HERC1):c.11993A>G (p.Asp3998Gly)

Gene: HERC1 (HECT and RLD domain containing E3 ubiquitin protein ligase family member 1; minus strand). Cytogenetic location: 15q22.31.
Variant type: single nucleotide variant.
Coding change: c.11993A>G on transcript NM_003922.4 (MANE Select); coding-DNA position 11993, A replaced by G.
Protein change: p.Asp3998Gly; replaces aspartic acid 3998 with glycine.
Molecular consequence: missense variant.
Genome position (GRCh38, 1-based): chr15:63,638,511, T>C on the plus strand (A>G on the coding strand, the complement: HERC1 is on the minus strand). VCF-style: chr15-63638511-T-C. GRCh37 (hg19) VCF-style: chr15-63930710-T-C.
Other names: short protein forms D3998G.
Identifiers: ClinVar variation 3906038 (VCV003906038.10).
Genomic context (GRCh38, chr15:63,638,511, plus strand): 5'-ATTACATTTCTTCCAGCTTCTGCCAGCTGTCCATGCCTACCAGCACCCCATAAGTAGACA[T>C]CACATTTACCTCCCAGGTGCCAGTCCTAGAAAACCACAATCATCTCAAAATTAGAGTCAT-3'
Protein context (NP_003913.3, residues 3988-4008): PEDWHLGGKC[Asp3998Gly]VYLWGAGRHG